The following is an entry in ClinVar:

NM_000138.5(FBN1):c.1192A>T (p.Arg398Ter)

Gene: FBN1 (fibrillin 1; minus strand). Cytogenetic location: 15q21.1.
Variant type: single nucleotide variant.
Coding change: c.1192A>T on transcript NM_000138.5 (MANE Select); coding-DNA position 1192, A replaced by T.
Protein change: p.Arg398Ter; replaces arginine 398 with a stop codon.
Molecular consequence: nonsense.
Genome position (GRCh38, 1-based): chr15:48,516,318, T>A on the plus strand (A>T on the coding strand, the complement: FBN1 is on the minus strand). VCF-style: chr15-48516318-T-A. GRCh37 (hg19) VCF-style: chr15-48808515-T-A.
Other names: short protein forms R398*.
Identifiers: ClinVar variation 42281 (VCV000042281.4), dbSNP rs397515754, ClinGen allele CA012019.

ClinVar aggregate classification (germline): Pathogenic (1 of 4 stars; one submission).

Conditions:
Marfan syndrome (MFS). Also called: FBN1-Related Marfan Syndrome; Marfan syndrome, classic; MARFAN SYNDROME, TYPE I; Marfan syndrome type 1; Marfan's syndrome. Identifiers: Orphanet 284963, Orphanet 558, MedGen C0024796, MONDO:0007947, OMIM 154700.

Submission:

Laboratory for Molecular Medicine, Mass General Brigham Personalized Medicine
Classification: Pathogenic for Marfan syndrome. Last evaluated: 2011-09-12. Review status: criteria provided, single submitter. Criteria: LMM Criteria. Collection method: clinical testing. Allele origin: germline. Inheritance: Autosomal dominant inheritance. Observed: 1 variant allele.
Comment: The Arg398X variant in FBN1 has not been previously reported in individuals with clinical features of Marfan syndrome or in large population studies. This nonse nse variant leads to a premature termination codon at position 398, which is pre dicted to lead to a truncated or absent protein. Heterozygous variants causing a loss of function of the FBN1 gene is an established disease mechanism in Marfa n syndrome. In summary, this variant meets our criteria to be classified as path ogenic.